The following is an entry in ClinVar:

NM_001130144.3(LTBP3):c.2195C>G (p.Pro732Arg)

Genes: LTBP3 (latent transforming growth factor beta binding protein 3; minus strand), LOC130006030 (ATAC-STARR-seq lymphoblastoid silent region 3533; plus strand). Cytogenetic location: 11q13.1.
Variant type: single nucleotide variant.
Coding change: c.2195C>G on transcript NM_001130144.3 (MANE Select); coding-DNA position 2195, C replaced by G.
Protein change: p.Pro732Arg; replaces proline 732 with arginine.
Molecular consequence: missense variant.
Genome position (GRCh38, 1-based): chr11:65,546,833, G>C on the plus strand (C>G on the coding strand, the complement: LTBP3 is on the minus strand). VCF-style: chr11-65546833-G-C. GRCh37 (hg19) VCF-style: chr11-65314304-G-C.
Other names: c.2195C>G, p.Pro732Arg (NM_021070.4); c.1844C>G, p.Pro615Arg (NM_001164266.1); short protein forms P615R, P732R.
Identifiers: ClinVar variation 3233154 (VCV003233154.1), dbSNP rs891034550, ClinGen allele CA223963912.

ClinVar aggregate classification (germline): Uncertain significance (1 of 4 stars; one submission).

Conditions:
Inborn genetic diseases. Identifiers: MedGen C0950123, MeSH D030342.

Allele frequency attached by ClinVar (database versions not stated): TOPMed 0.00002.
gnomAD v4.1: 1 of 1,609,522 alleles (0.000062%); highest among the groups gnomAD compares: African/African-American, 0.0013%; no homozygotes.

Submission:

Ambry Genetics
Classification: Uncertain significance for Inborn genetic diseases. Last evaluated: 2023-09-24. Review status: criteria provided, single submitter. Criteria: Ambry Variant Classification Scheme 2023. Collection method: clinical testing. Allele origin: germline.
Comment: The p.P732R variant (also known as c.2195C>G), located in coding exon 15 of the LTBP3 gene, results from a C to G substitution at nucleotide position 2195. The proline at codon 732 is replaced by arginine, an amino acid with dissimilar properties. This amino acid position is conserved. In addition, this alteration is predicted to be tolerated by in silico analysis. Since supporting evidence is limited at this time, the clinical significance of this alteration remains unclear.